The following is an entry in ClinVar:

NM_138422.4(ADAT3):c.465C>T (p.Phe155=)

Genes: ADAT3 (adenosine deaminase tRNA specific 3; plus strand), SCAMP4 (secretory carrier membrane protein 4; plus strand). Cytogenetic location: 19p13.3.
Variant type: single nucleotide variant.
Coding change: c.465C>T on transcript NM_138422.4 (MANE Select); coding-DNA position 465, C replaced by T.
Protein change: p.Phe155=; no amino-acid change (phenylalanine 155 retained).
Molecular consequence: synonymous variant. On other transcripts: intron variant (3).
Genome position (GRCh38, 1-based): chr19:1,912,512, C>T. VCF-style: chr19-1912512-C-T. GRCh37 (hg19) VCF-style: chr19-1912511-C-T.
Other names: c.417C>T, p.Phe139= (NM_001329533.2); c.-41-2467C>T (NM_079834.4, NM_001329540.2); c.-125-5182C>T (NM_001329539.2).
Identifiers: ClinVar variation 4280794 (VCV004280794.7).

ClinVar aggregate classification (germline): Likely benign (1 of 4 stars; one submission).

gnomAD v4.1: 7 of 1,494,134 alleles (0.00047%); highest among the groups gnomAD compares: African/African-American, 0.0029%; no homozygotes.

Submission:

CeGaT Center for Human Genetics Tuebingen
Classification: Likely benign. Last evaluated: 2025-09-01. Review status: criteria provided, single submitter. Criteria: CeGaT Center For Human Genetics Tuebingen Variant Classification Criteria Version 2. Collection method: clinical testing. Allele origin: germline. Affected: yes. Observed: 1 variant allele.
Comment: ADAT3: BP4, BP7